The following is an entry in ClinVar:

NM_002880.4(RAF1):c.1313C>A (p.Thr438Asn)

Gene: RAF1 (Raf-1 proto-oncogene, serine/threonine kinase; minus strand). Cytogenetic location: 3p25.2.
Variant type: single nucleotide variant.
Coding change: c.1313C>A on transcript NM_002880.4 (MANE Select); coding-DNA position 1313, C replaced by A.
Protein change: p.Thr438Asn; replaces threonine 438 with asparagine.
Molecular consequence: missense variant. On other transcripts: non-coding transcript variant (3).
Genome position (GRCh38, 1-based): chr3:12,590,855, G>T on the plus strand (C>A on the coding strand, the complement: RAF1 is on the minus strand). VCF-style: chr3-12590855-G-T. GRCh37 (hg19) VCF-style: chr3-12632354-G-T.
Other names: c.1373C>A, p.Thr458Asn (NM_001354689.3); c.1313C>A, p.Thr438Asn (NM_001354690.3); c.1070C>A, p.Thr357Asn (NM_001354691.3, NM_001354692.3); c.1214C>A, p.Thr405Asn (NM_001354693.3); c.1130C>A, p.Thr377Asn (NM_001354694.3); c.971C>A, p.Thr324Asn (NM_001354695.3); short protein forms T324N, T357N, T377N, T405N, T438N, T458N.
Identifiers: ClinVar variation 2126217 (VCV002126217.4), dbSNP rs2470228218, ClinGen allele CA351501921.

ClinVar aggregate classification (germline): Uncertain significance (1 of 4 stars; one submission).

Conditions:
RASopathy. Also called: Noonan spectrum disorder; rasopathies. Identifiers: Orphanet 536391, MedGen C5555857, MONDO:0021060.

Submission:

Labcorp Genetics (formerly Invitae), Labcorp
Classification: Uncertain significance for RASopathy. Last evaluated: 2022-04-15. Review status: criteria provided, single submitter. Criteria: Invitae Variant Classification Sherloc (09022015). Collection method: clinical testing. Allele origin: germline.
Comment: Advanced modeling of protein sequence and biophysical properties (such as structural, functional, and spatial information, amino acid conservation, physicochemical variation, residue mobility, and thermodynamic stability) performed at Invitae indicates that this missense variant is expected to disrupt RAF1 protein function. This sequence change replaces threonine, which is neutral and polar, with asparagine, which is neutral and polar, at codon 438 of the RAF1 protein (p.Thr438Asn). This variant is not present in population databases (gnomAD no frequency). This variant has not been reported in the literature in individuals affected with RAF1-related conditions. In summary, the available evidence is currently insufficient to determine the role of this variant in disease. Therefore, it has been classified as a Variant of Uncertain Significance.